The following is an entry in ClinVar:

ClinVar aggregate classification (germline): Uncertain significance (1 of 4 stars; one submission).

Allele frequency attached by ClinVar (database versions not stated): gnomAD exomes below 0.00001; gnomAD 0.00002; TOPMed 0.00002.
gnomAD v4.1: 5 of 1,611,922 alleles (0.00031%); highest among the groups gnomAD compares: African/African-American, 0.0054%; no homozygotes.

Submission:

Labcorp Genetics (formerly Invitae), Labcorp
Classification: Uncertain significance. Last evaluated: 2023-11-06. Review status: criteria provided, single submitter. Criteria: Invitae Variant Classification Sherloc (09022015). Collection method: clinical testing. Allele origin: germline.
Comment: This sequence change replaces isoleucine, which is neutral and non-polar, with methionine, which is neutral and non-polar, at codon 623 of the EMC1 protein (p.Ile623Met). This variant is not present in population databases (gnomAD no frequency). This variant has not been reported in the literature in individuals affected with EMC1-related conditions. ClinVar contains an entry for this variant (Variation ID: 1949003). Advanced modeling of protein sequence and biophysical properties (such as structural, functional, and spatial information, amino acid conservation, physicochemical variation, residue mobility, and thermodynamic stability) performed at Invitae indicates that this missense variant is expected to disrupt EMC1 protein function with a positive predictive value of 80%. In summary, the available evidence is currently insufficient to determine the role of this variant in disease. Therefore, it has been classified as a Variant of Uncertain Significance.

NM_015047.3(EMC1):c.1869C>G (p.Ile623Met)

Genes: EMC1 (ER membrane protein complex subunit 1; minus strand), EMC1-AS1 (EMC1 antisense RNA 1; plus strand). Cytogenetic location: 1p36.13.
Variant type: single nucleotide variant.
Coding change: c.1869C>G on transcript NM_015047.3 (MANE Select); coding-DNA position 1869, C replaced by G.
Protein change: p.Ile623Met; replaces isoleucine 623 with methionine.
Molecular consequence: missense variant.
Genome position (GRCh38, 1-based): chr1:19,231,336, G>C on the plus strand (C>G on the coding strand, the complement: EMC1 is on the minus strand). VCF-style: chr1-19231336-G-C. GRCh37 (hg19) VCF-style: chr1-19557830-G-C.
Other names: c.1866C>G, p.Ile622Met (NM_001271427.2, NM_001271428.2); c.1803C>G, p.Ile601Met (NM_001271429.2); c.1878C>G, p.Ile626Met (NM_001375820.1); c.1875C>G, p.Ile625Met (NM_001375821.1); short protein forms I601M, I622M, I623M, I625M, I626M.
Identifiers: ClinVar variation 1949003 (VCV001949003.5), dbSNP rs1216836646, ClinGen allele CA338759474.